The following is an entry in ClinVar:

ClinVar aggregate classification (germline): Likely benign (1 of 4 stars; one submission).

Conditions:
AKR1C4-related disorder. Also called: AKR1C4-related condition.

Submission:

PreventionGenetics, part of Exact Sciences
Classification: Likely benign for AKR1C4-related condition. Last evaluated: 2024-12-19. Review status: criteria provided, single submitter. Criteria: ACMG Guidelines, 2015. Collection method: clinical testing. Allele origin: germline.
Comment: This variant is classified as likely benign based on ACMG/AMP sequence variant interpretation guidelines (Richards et al. 2015 PMID: 25741868, with internal and published modifications).

NM_001818.5(AKR1C4):c.369+7A>G

Gene: AKR1C4 (aldo-keto reductase family 1 member C4; plus strand). Cytogenetic location: 10p15.1.
Variant type: single nucleotide variant.
Coding change: c.369+7A>G on transcript NM_001818.5 (MANE Select); 7 bases into the intron after coding-DNA position 369, A replaced by G.
Molecular consequence: intron variant.
Genome position (GRCh38, 1-based): chr10:5,204,500, A>G. VCF-style: chr10-5204500-A-G. GRCh37 (hg19) VCF-style: chr10-5246463-A-G.
Identifiers: ClinVar variation 4978118 (VCV004978118.1).